The following is an entry in ClinVar:

NM_015141.4(GPD1L):c.821G>T (p.Arg274Met)

Gene: GPD1L (glycerol-3-phosphate dehydrogenase 1 like; plus strand). Cytogenetic location: 3p22.3.
Variant type: single nucleotide variant.
Coding change: c.821G>T on transcript NM_015141.4 (MANE Select); coding-DNA position 821, G replaced by T.
Protein change: p.Arg274Met; replaces arginine 274 with methionine.
Molecular consequence: missense variant.
Genome position (GRCh38, 1-based): chr3:32,159,078, G>T. VCF-style: chr3-32159078-G-T. GRCh37 (hg19) VCF-style: chr3-32200570-G-T.
Other names: short protein forms R274M.
Identifiers: ClinVar variation 1057311 (VCV001057311.5), dbSNP rs2125497965, ClinGen allele CA351969485.

ClinVar aggregate classification (germline): Uncertain significance (1 of 4 stars; one submission).

Conditions:
Brugada syndrome. Also called: Sudden unexpected nocturnal death syndrome; Sudden unexplained nocturnal death syndrome; Sudden Unexplained Death Syndrome; Sudden Unexplained Nocturnal Death Syndrome (SUNDS). Identifiers: Orphanet 130, MedGen C1142166, MONDO:0015263.

gnomAD v4.1: 1 of 1,613,772 alleles (0.000062%); no homozygotes.

Submission:

Labcorp Genetics (formerly Invitae), Labcorp
Classification: Uncertain significance for Brugada syndrome. Last evaluated: 2020-08-03. Review status: criteria provided, single submitter. Criteria: Invitae Variant Classification Sherloc (09022015). Collection method: clinical testing. Allele origin: germline.
Comment: This variant is not present in population databases (ExAC no frequency). This variant has not been reported in the literature in individuals with GPD1L-related conditions. Algorithms developed to predict the effect of missense changes on protein structure and function are either unavailable or do not agree on the potential impact of this missense change (SIFT: "Deleterious"; PolyPhen-2: "Possibly Damaging"; Align-GVGD: "Class C0"). This sequence change replaces arginine with methionine at codon 274 of the GPD1L protein (p.Arg274Met). The arginine residue is weakly conserved and there is a moderate physicochemical difference between arginine and methionine. In summary, the available evidence is currently insufficient to determine the role of this variant in disease. Therefore, it has been classified as a Variant of Uncertain Significance.